The following is an entry in ClinVar:

ClinVar aggregate classification (germline): Likely pathogenic (1 of 4 stars; one submission).

gnomAD v4.1: 1 of 1,614,156 alleles (0.000062%); no homozygotes.

Submission:

GeneDx
Classification: Likely pathogenic. Last evaluated: 2023-05-01. Review status: criteria provided, single submitter. Criteria: GeneDx Variant Classification Process June 2021. Collection method: clinical testing. Allele origin: germline. Affected: yes.
Comment: Not observed at significant frequency in large population cohorts (gnomAD); In silico analysis supports that this missense variant has a deleterious effect on protein structure/function; Has not been previously published as pathogenic or benign to our knowledge

NM_003403.5(YY1):c.1165G>A (p.Gly389Ser)

Gene: YY1 (YY1 transcription factor; plus strand). Cytogenetic location: 14q32.2.
Variant type: single nucleotide variant.
Coding change: c.1165G>A on transcript NM_003403.5 (MANE Select); coding-DNA position 1165, G replaced by A.
Protein change: p.Gly389Ser; replaces glycine 389 with serine.
Molecular consequence: missense variant.
Genome position (GRCh38, 1-based): chr14:100,277,520, G>A. VCF-style: chr14-100277520-G-A. GRCh37 (hg19) VCF-style: chr14-100743857-G-A.
Other names: short protein forms G389S.
Identifiers: ClinVar variation 1809912 (VCV001809912.2), dbSNP rs2549139361, ClinGen allele CA390969645.